The following is an entry in ClinVar:

ClinVar aggregate classification (germline): Uncertain significance. Review status: criteria provided, multiple submitters, no conflicts (2 of 4 stars). 2 submissions from 2 submitters: Uncertain significance (2). Last evaluated 2021-12-03.

Conditions:
Hereditary cancer-predisposing syndrome. Also called: Tumor predisposition; Neoplastic Syndromes, Hereditary; Hereditary Cancer Syndrome; Hereditary neoplastic syndrome. Identifiers: Orphanet 140162, MedGen C0027672, MeSH D009386, MONDO:0015356.
Euthyroid goiter (MNG1). Also called: Goiter, multinodular 1, with or without Sertoli-Leydig cell tumors; SIMPLE GOITER; GOITER, NONTOXIC, WITH INTRATHYROIDAL CALCIFICATION; MULTINODULAR GOITER, ADOLESCENT. Identifiers: Orphanet 276399, MedGen C0302859, MONDO:0007681, OMIM 138800, HP:0009798.

Submissions (2):

MGZ Medical Genetics Center
Classification: Uncertain significance for Euthyroid goiter. Last evaluated: 2021-12-03. Review status: criteria provided, single submitter. Criteria: ACMG Guidelines, 2015. Collection method: clinical testing. Allele origin: germline. Affected: yes. Observed: 1 variant allele.
Comment: ACMG criteria applied: PM2_SUP, BP4

Ambry Genetics
Classification: Uncertain significance for Hereditary cancer-predisposing syndrome. Last evaluated: 2021-08-20. Review status: criteria provided, single submitter. Criteria: Ambry Variant Classification Scheme 2023. Collection method: clinical testing. Allele origin: germline.
Comment: The p.A1431V variant (also known as c.4292C>T), located in coding exon 22 of the DICER1 gene, results from a C to T substitution at nucleotide position 4292. The alanine at codon 1431 is replaced by valine, an amino acid with similar properties. This amino acid position is not well conserved in available vertebrate species. In addition, this alteration is predicted to be tolerated by in silico analysis. Since supporting evidence is limited at this time, the clinical significance of this alteration remains unclear.

NM_177438.3(DICER1):c.4292C>T (p.Ala1431Val)

Gene: DICER1 (dicer 1, ribonuclease III; minus strand). Cytogenetic location: 14q32.13.
Variant type: single nucleotide variant.
Coding change: c.4292C>T on transcript NM_177438.3 (MANE Select); coding-DNA position 4292, C replaced by T.
Protein change: p.Ala1431Val; replaces alanine 1431 with valine.
Molecular consequence: missense variant. On other transcripts: non-coding transcript variant (6).
Genome position (GRCh38, 1-based): chr14:95,096,628, G>A on the plus strand (C>T on the coding strand, the complement: DICER1 is on the minus strand). VCF-style: chr14-95096628-G-A. GRCh37 (hg19) VCF-style: chr14-95562965-G-A.
Other names: c.4292C>T, p.Ala1431Val (NM_001195573.1, NM_001271282.3, NM_001291628.2 and 13 more transcripts); c.4010C>T, p.Ala1337Val (NM_001395686.1); c.3887C>T, p.Ala1296Val (NM_001395687.1, NM_001395688.1, NM_001395689.1 and 2 more transcripts); c.3725C>T, p.Ala1242Val (NM_001395691.1); c.2609C>T, p.Ala870Val (NM_001395697.1); short protein forms A1242V, A1296V, A1337V, A1431V, A870V.
Identifiers: ClinVar variation 1709045 (VCV001709045.4), dbSNP rs2542511453, ClinGen allele CA390869494.
Genomic context (GRCh38, chr14:95,096,628, plus strand): 5'-CTGATATGTTCCTGATCATACTCCAGGAAATCATCTTCATAGTCAGCCTCTTCCTTCGGA[G>A]CCCTCCACATCAGGCTCTCCTCCTCCTCATCCTCCTCCTCGTAATCCTCATCCAGTTTGC-3'
Protein context (NP_803187.1, residues 1421-1441): DEEEESLMWR[Ala1431Val]PKEEADYEDD